The following is an entry in ClinVar:

NM_145059.3(FCSK):c.2882A>C (p.His961Pro)

Gene: FCSK (fucose kinase; plus strand). Cytogenetic location: 16q22.1.
Variant type: single nucleotide variant.
Coding change: c.2882A>C on transcript NM_145059.3 (MANE Select); coding-DNA position 2882, A replaced by C.
Protein change: p.His961Pro; replaces histidine 961 with proline.
Molecular consequence: missense variant.
Genome position (GRCh38, 1-based): chr16:70,478,603, A>C. VCF-style: chr16-70478603-A-C. GRCh37 (hg19) VCF-style: chr16-70512506-A-C.
Other names: short protein forms H961P.
Identifiers: ClinVar variation 2778849 (VCV002778849.3), dbSNP rs1444974923, ClinGen allele CA396575273.
Genomic context (GRCh38, chr16:70,478,603, plus strand): 5'-GTCCGCAGGATGTGCTGAGGAGCTGGTATGCCCGACTTCCTGCTGTGGTGCAGAATGCCC[A>C]CAGCCTGGTACGGCAAACTGAGGAGTGTGCTGAAGGCTTCCGCCAAGGTGAGGGGCTTCC-3'
Protein context (NP_659496.2, residues 951-971): ARLPAVVQNA[His961Pro]SLVRQTEECA

ClinVar aggregate classification (germline): Uncertain significance (1 of 4 stars; one submission).

Submission:

Labcorp Genetics (formerly Invitae), Labcorp
Classification: Uncertain significance. Last evaluated: 2022-11-03. Review status: criteria provided, single submitter. Criteria: Invitae Variant Classification Sherloc (09022015). Collection method: clinical testing. Allele origin: germline.
Comment: In summary, the available evidence is currently insufficient to determine the role of this variant in disease. Therefore, it has been classified as a Variant of Uncertain Significance. Algorithms developed to predict the effect of missense changes on protein structure and function (SIFT, PolyPhen-2, Align-GVGD) all suggest that this variant is likely to be tolerated. This variant has not been reported in the literature in individuals affected with FUK-related conditions. This variant is not present in population databases (gnomAD no frequency). This sequence change replaces histidine, which is basic and polar, with proline, which is neutral and non-polar, at codon 961 of the FUK protein (p.His961Pro).